The following is an entry in ClinVar:

ClinVar aggregate classification (germline): Likely benign. Review status: reviewed by expert panel (3 of 4 stars). 6 submissions from 6 submitters: Likely benign (1). 5 of the submissions do not count toward it. Last evaluated 2017-06-29.

Conditions:
Hereditary breast ovarian cancer syndrome. Also called: Breast and ovarian cancer; Hereditary breast and ovarian cancer; Hereditary breast and ovarian cancer syndrome; Hereditary breast and/or ovarian cancer syndrome; BRCA1- and BRCA2-Associated Hereditary Breast and Ovarian Cancer; Hereditary breast and ovarian cancer syndrome (HBOC). Identifiers: Orphanet 145, MedGen C0677776, MeSH D061325, MONDO:0003582. Disease mechanism: loss of function.
Hereditary cancer-predisposing syndrome. Also called: Tumor predisposition; Hereditary Cancer Syndrome; Neoplastic Syndromes, Hereditary; Hereditary neoplastic syndrome. Identifiers: Orphanet 140162, MedGen C0027672, MeSH D009386, MONDO:0015356.
Breast-ovarian cancer, familial, susceptibility to, 1 (BROVCA1). Also called: BRCA1 Hereditary Breast and Ovarian Cancer; OVARIAN CANCER, SUSCEPTIBILITY TO. Identifiers: Orphanet 145, MedGen C2676676, MONDO:0011450, OMIM 604370. Disease mechanism: loss of function.

Allele frequency attached by ClinVar (database versions not stated): gnomAD 0.00002; TOPMed 0.00002.
gnomAD v4.1: 3 of 1,614,002 alleles (0.00019%); highest among the groups gnomAD compares: African/African-American, 0.004%; no homozygotes.

Submissions (6):

Evidence-based Network for the Interpretation of Germline Mutant Alleles (ENIGMA)
Classification: Likely benign for Breast-ovarian cancer, familial, susceptibility to, 1. Last evaluated: 2017-06-29. Review status: reviewed by expert panel. Criteria: ENIGMA BRCA1/2 Classification Criteria (2017-06-29). Collection method: curation. Allele origin: germline.
Comment: Synonymous substitution variant, with low bioinformatic likelihood to result in a splicing aberration (Splicing prior probability 0.02).

Labcorp Genetics (formerly Invitae), Labcorp
Classification: Likely benign for Hereditary breast ovarian cancer syndrome. Last evaluated: 2025-10-23. Review status: criteria provided, single submitter. Criteria: Invitae Variant Classification Sherloc (09022015). Collection method: clinical testing. Allele origin: germline. Not counted in ClinVar's aggregate classification.

Quest Diagnostics Nichols Institute San Juan Capistrano
Classification: Likely benign. Last evaluated: 2023-05-08. Review status: criteria provided, single submitter. Criteria: Quest Diagnostics criteria. Collection method: clinical testing. Allele origin: unknown. Not counted in ClinVar's aggregate classification.

Women's Health and Genetics/Laboratory Corporation of America, LabCorp
Classification: Likely benign. Last evaluated: 2022-08-11. Review status: criteria provided, single submitter. Criteria: LabCorp Variant Classification Summary - May 2015. Collection method: clinical testing. Allele origin: germline. Not counted in ClinVar's aggregate classification.

Color Diagnostics, LLC DBA Color Health
Classification: Likely benign for Hereditary cancer-predisposing syndrome. Last evaluated: 2016-07-01. Review status: criteria provided, single submitter. Criteria: ACMG Guidelines, 2015. Collection method: clinical testing. Allele origin: germline. Not counted in ClinVar's aggregate classification.

Ambry Genetics
Classification: Likely benign for Hereditary cancer-predisposing syndrome. Last evaluated: 2015-02-18. Review status: criteria provided, single submitter. Criteria: Ambry Variant Classification Scheme 2023. Collection method: clinical testing. Allele origin: germline. Not counted in ClinVar's aggregate classification.

NM_007294.4(BRCA1):c.3588A>G (p.Thr1196=)

Genes: BRCA1 (BRCA1 DNA repair associated; minus strand), LOC126862571 (BRD4-independent group 4 enhancer GRCh37_chr17:41243136-41244335; plus strand). Cytogenetic location: 17q21.31.
Variant type: single nucleotide variant.
Coding change: c.3588A>G on transcript NM_007294.4 (MANE Select); coding-DNA position 3588, A replaced by G.
Protein change: p.Thr1196=; no amino-acid change (threonine 1196 retained).
Molecular consequence: synonymous variant. On other transcripts: intron variant (135).
Genome position (GRCh38, 1-based): chr17:43,091,943, T>C on the plus strand (A>G on the coding strand, the complement: BRCA1 is on the minus strand). VCF-style: chr17-43091943-T-C. GRCh37 (hg19) VCF-style: chr17-41243960-T-C.
Other names: c.3378A>G, p.Thr1126= (NM_001407884.1, NM_001407885.1, NM_001407886.1 and 13 more transcripts); c.3375A>G, p.Thr1125= (NM_001407894.1, NM_001407895.1, NM_001407896.1 and 9 more transcripts); c.3465A>G, p.Thr1155= (NM_001407919.1, NM_001407937.1, NM_001407938.1 and 19 more transcripts); c.3324A>G, p.Thr1108= (NM_001407920.1, NM_001407921.1, NM_001407922.1 and 9 more transcripts); c.3321A>G, p.Thr1107= (NM_001407930.1, NM_001407931.1, NM_001407932.1 and 2 more transcripts); c.3462A>G, p.Thr1154= (NM_001407940.1, NM_001407941.1, NM_001407649.1 and 11 more transcripts); c.3447A>G, p.Thr1149= (NM_001407942.1, NM_001407944.1, NM_001407945.1 and 29 more transcripts); c.3444A>G, p.Thr1148= (NM_001407943.1, NM_001407964.1, NM_001407740.1 and 20 more transcripts); and 41 more.
Identifiers: ClinVar variation 230491 (VCV000230491.21), dbSNP rs876658595, ClinGen allele CA10580556.